The following is an entry in ClinVar:

ClinVar aggregate classification (germline): Uncertain significance. Review status: criteria provided, multiple submitters, no conflicts (2 of 4 stars). 3 submissions from 3 submitters: Uncertain significance (3). Last evaluated 2024-03-18.

Conditions:
Inborn genetic diseases. Identifiers: MedGen C0950123, MeSH D030342.

Allele frequency attached by ClinVar (database versions not stated): gnomAD 0.00001; TOPMed 0.00001.
gnomAD v4.1: 8 of 1,608,970 alleles (0.0005%); highest among the groups gnomAD compares: Admixed American, 0.0017%; no homozygotes.

Submissions (3):

Ambry Genetics
Classification: Uncertain significance for Inborn genetic diseases. Last evaluated: 2024-03-18. Review status: criteria provided, single submitter. Criteria: Ambry Variant Classification Scheme 2023. Collection method: clinical testing. Allele origin: germline.

Labcorp Genetics (formerly Invitae), Labcorp
Classification: Uncertain significance. Last evaluated: 2022-04-09. Review status: criteria provided, single submitter. Criteria: Invitae Variant Classification Sherloc (09022015). Collection method: clinical testing. Allele origin: germline.
Comment: This sequence change replaces valine, which is neutral and non-polar, with alanine, which is neutral and non-polar, at codon 280 of the PGAP3 protein (p.Val280Ala). This variant is not present in population databases (gnomAD no frequency). This variant has not been reported in the literature in individuals affected with PGAP3-related conditions. Algorithms developed to predict the effect of missense changes on protein structure and function are either unavailable or do not agree on the potential impact of this missense change (SIFT: "Tolerated"; PolyPhen-2: "Possibly Damaging"; Align-GVGD: "Class C0"). In summary, the available evidence is currently insufficient to determine the role of this variant in disease. Therefore, it has been classified as a Variant of Uncertain Significance.

GeneDx
Classification: Uncertain significance. Last evaluated: 2022-01-27. Review status: criteria provided, single submitter. Criteria: GeneDx Variant Classification Process June 2021. Collection method: clinical testing. Allele origin: germline. Affected: yes.
Comment: In silico analysis supports that this missense variant has a deleterious effect on protein structure/function; Has not been previously published as pathogenic or benign to our knowledge

NM_033419.5(PGAP3):c.839T>C (p.Val280Ala)

Gene: PGAP3 (post-GPI attachment to proteins phospholipase 3; minus strand). Cytogenetic location: 17q12.
Variant type: single nucleotide variant.
Coding change: c.839T>C on transcript NM_033419.5 (MANE Select); coding-DNA position 839, T replaced by C.
Protein change: p.Val280Ala; replaces valine 280 with alanine.
Molecular consequence: missense variant. On other transcripts: intron variant (3).
Genome position (GRCh38, 1-based): chr17:39,673,111, A>G on the plus strand (T>C on the coding strand, the complement: PGAP3 is on the minus strand). VCF-style: chr17-39673111-A-G. GRCh37 (hg19) VCF-style: chr17-37829364-A-G.
Other names: c.686T>C, p.Val229Ala (NM_001291726.2); c.776T>C, p.Val259Ala (NM_001291728.2); c.433-245T>C (NM_001291733.2); c.495-245T>C (NM_001291732.2); c.558-245T>C (NM_001291730.2); short protein forms V280A, V259A, V229A.
Identifiers: ClinVar variation 1445592 (VCV001445592.7), dbSNP rs1044944497, ClinGen allele CA290439864.